The following is an entry in ClinVar:

ClinVar aggregate classification (germline): Uncertain significance. Review status: criteria provided, multiple submitters, no conflicts (2 of 4 stars). 3 submissions from 3 submitters: Uncertain significance (3). Last evaluated 2023-12-28.

Conditions:
Inborn genetic diseases. Identifiers: MedGen C0950123, MeSH D030342.

Allele frequency attached by ClinVar (database versions not stated): gnomAD 0.00003; gnomAD exomes 0.00006; 1000 Genomes Project 30x 0.00031; 1000 Genomes Project 0.00040.
gnomAD v4.1: 40 of 1,613,932 alleles (0.0025%); highest among the groups gnomAD compares: South Asian, 0.042%; 1 homozygote.

Submissions (3):

Ambry Genetics
Classification: Uncertain significance for Inborn genetic diseases. Last evaluated: 2023-12-28. Review status: criteria provided, single submitter. Criteria: Ambry Variant Classification Scheme 2023. Collection method: clinical testing. Allele origin: germline.

Labcorp Genetics (formerly Invitae), Labcorp
Classification: Uncertain significance. Last evaluated: 2022-07-13. Review status: criteria provided, single submitter. Criteria: Invitae Variant Classification Sherloc (09022015). Collection method: clinical testing. Allele origin: germline.
Comment: This sequence change replaces glycine, which is neutral and non-polar, with alanine, which is neutral and non-polar, at codon 1755 of the RTTN protein (p.Gly1755Ala). This variant is present in population databases (rs569445270, gnomAD 0.05%). This variant has not been reported in the literature in individuals affected with RTTN-related conditions. ClinVar contains an entry for this variant (Variation ID: 1328780). Algorithms developed to predict the effect of missense changes on protein structure and function output the following: SIFT: "Tolerated"; PolyPhen-2: "Benign"; Align-GVGD: "Class C0". The alanine amino acid residue is found in multiple mammalian species, which suggests that this missense change does not adversely affect protein function. In summary, the available evidence is currently insufficient to determine the role of this variant in disease. Therefore, it has been classified as a Variant of Uncertain Significance.

GeneDx
Classification: Uncertain significance. Last evaluated: 2021-06-14. Review status: criteria provided, single submitter. Criteria: GeneDx Variant Classification Process June 2021. Collection method: clinical testing. Allele origin: germline. Affected: yes.
Comment: In silico analysis supports that this missense variant does not alter protein structure/function; Has not been previously published as pathogenic or benign to our knowledge

NM_173630.4(RTTN):c.5264G>C (p.Gly1755Ala)

Gene: RTTN (rotatin; minus strand). Cytogenetic location: 18q22.2.
Variant type: single nucleotide variant.
Coding change: c.5264G>C on transcript NM_173630.4 (MANE Select); coding-DNA position 5264, G replaced by C.
Protein change: p.Gly1755Ala; replaces glycine 1755 with alanine.
Molecular consequence: missense variant.
Genome position (GRCh38, 1-based): chr18:70,051,470, C>G on the plus strand (G>C on the coding strand, the complement: RTTN is on the minus strand). VCF-style: chr18-70051470-C-G. GRCh37 (hg19) VCF-style: chr18-67718706-C-G.
Other names: c.2528G>C, p.Gly843Ala (NM_001318520.2); short protein forms G1755A, G843A.
Identifiers: ClinVar variation 1328780 (VCV001328780.4), dbSNP rs569445270, ClinGen allele CA8994993.
Genomic context (GRCh38, chr18:70,051,470, plus strand): 5'-CCAATCGCCGCTGTCCAGTGCTTGGCCAGGGCCACGGTAACAAACGGGAGTGTGATGGCA[C>G]CAGCTTTCCTCAGGAGCATGGCCAGAAGATTAAATAAATGTGTCCATGTGTGATAAAAAG-3'
Protein context (NP_775901.3, residues 1745-1765): NLLAMLLRKA[Gly1755Ala]AITLPFVTVA